The following is an entry in ClinVar:

ClinVar aggregate classification (germline): Benign (1 of 4 stars; one submission).

Conditions:
Tuberous sclerosis 2 (TSC2). Identifiers: Orphanet 805, MedGen C1860707, MONDO:0013199, OMIM 613254.

gnomAD v4.1: 3 of 1,613,880 alleles (0.00019%); highest among the groups gnomAD compares: Non-Finnish European, 0.00025%; no homozygotes.

Submission:

Myriad Genetics, Inc.
Classification: Benign for Tuberous sclerosis 2. Last evaluated: 2025-05-14. Review status: criteria provided, single submitter. Criteria: Myriad Autosomal Dominant, Autosomal Recessive and X-Linked Classification Criteria (2023). Collection method: clinical testing. Allele origin: unknown.
Comment: This variant is considered benign. This variant is a silent/synonymous amino acid change and it is not expected to impact splicing.

NM_000548.5(TSC2):c.1461A>G (p.Ser487=)

Gene: TSC2 (TSC complex subunit 2; plus strand). Cytogenetic location: 16p13.3.
Variant type: single nucleotide variant.
Coding change: c.1461A>G on transcript NM_000548.5 (MANE Select); coding-DNA position 1461, A replaced by G.
Protein change: p.Ser487=; no amino-acid change (serine 487 retained).
Molecular consequence: synonymous variant. On other transcripts: 5 prime UTR variant (1), non-coding transcript variant (5).
Genome position (GRCh38, 1-based): chr16:2,064,289, A>G. VCF-style: chr16-2064289-A-G. GRCh37 (hg19) VCF-style: chr16-2114290-A-G.
Other names: c.861A>G, p.Ser287= (NM_001406684.1, NM_001406685.1, NM_001406686.1 and 6 more transcripts); c.117A>G, p.Ser39= (NM_001406689.1, NM_001406690.1, NM_001406691.1 and 6 more transcripts); c.-142A>G (NM_001406698.1); c.1461A>G, p.Ser487= (NM_021055.3, NM_001077183.3, NM_001114382.3 and 6 more transcripts); c.1350A>G, p.Ser450= (NM_001318827.2, NM_001406670.1, NM_001406678.1); c.1314A>G, p.Ser438= (NM_001318829.2, NM_001406675.1, NM_001406676.1 and 1 more transcripts); c.1494A>G, p.Ser498= (NM_001318832.2); c.1551A>G, p.Ser517= (NM_001406667.1, NM_001406668.1); and 3 more.
Identifiers: ClinVar variation 4071036 (VCV004071036.1).